The following is an entry in ClinVar:

ClinVar aggregate classification (germline): Uncertain significance (1 of 4 stars; one submission).

Submission:

Labcorp Genetics (formerly Invitae), Labcorp
Classification: Uncertain significance. Last evaluated: 2021-06-01. Review status: criteria provided, single submitter. Criteria: Invitae Variant Classification Sherloc (09022015). Collection method: clinical testing. Allele origin: germline.
Comment: This sequence change replaces aspartic acid with asparagine at codon 952 of the COL4A1 protein (p.Asp952Asn). The aspartic acid residue is highly conserved and there is a small physicochemical difference between aspartic acid and asparagine. In summary, the available evidence is currently insufficient to determine the role of this variant in disease. Therefore, it has been classified as a Variant of Uncertain Significance. Advanced modeling of protein sequence and biophysical properties (such as structural, functional, and spatial information, amino acid conservation, physicochemical variation, residue mobility, and thermodynamic stability) performed at Invitae indicates that this missense variant is not expected to disrupt COL4A1 protein function. This variant has not been reported in the literature in individuals with COL4A1-related conditions. This variant is not present in population databases (ExAC no frequency).

NM_001845.6(COL4A1):c.2854G>A (p.Asp952Asn)

Gene: COL4A1 (collagen type IV alpha 1 chain; minus strand). Cytogenetic location: 13q34.
Variant type: single nucleotide variant.
Coding change: c.2854G>A on transcript NM_001845.6 (MANE Select); coding-DNA position 2854, G replaced by A.
Protein change: p.Asp952Asn; replaces aspartic acid 952 with asparagine.
Molecular consequence: missense variant.
Genome position (GRCh38, 1-based): chr13:110,176,900, C>T on the plus strand (G>A on the coding strand, the complement: COL4A1 is on the minus strand). VCF-style: chr13-110176900-C-T. GRCh37 (hg19) VCF-style: chr13-110829247-C-T.
Other names: short protein forms D952N.
Identifiers: ClinVar variation 1398775 (VCV001398775.8), dbSNP rs2139162979, ClinGen allele CA388666746.